The following is an entry in ClinVar:

ClinVar aggregate classification (germline): Uncertain significance (1 of 4 stars; one submission).

Submission:

Labcorp Genetics (formerly Invitae), Labcorp
Classification: Uncertain significance. Last evaluated: 2024-02-02. Review status: criteria provided, single submitter. Criteria: Invitae Variant Classification Sherloc (09022015). Collection method: clinical testing. Allele origin: germline.
Comment: This sequence change falls in intron 2 of the POLE gene. It does not directly change the encoded amino acid sequence of the POLE protein. It affects a nucleotide within the consensus splice site. This variant is not present in population databases (gnomAD no frequency). This variant has not been reported in the literature in individuals affected with POLE-related conditions. Variants that disrupt the consensus splice site are a relatively common cause of aberrant splicing (PMID: 17576681, 9536098). RNA analysis provides insufficient evidence to determine the effect of this variant on POLE splicing (Invitae). In summary, the available evidence is currently insufficient to determine the role of this variant in disease. Therefore, it has been classified as a Variant of Uncertain Significance.

Literature cited by the submitters: PubMed 17576681; PubMed 9536098.

NM_006231.4(POLE):c.205-3T>C

Gene: POLE (DNA polymerase epsilon, catalytic subunit; minus strand). Cytogenetic location: 12q24.33.
Variant type: single nucleotide variant.
Coding change: c.205-3T>C on transcript NM_006231.4 (MANE Select); 3 bases into the intron before coding-DNA position 205, T replaced by C.
Molecular consequence: intron variant.
Genome position (GRCh38, 1-based): chr12:132,680,690, A>G on the plus strand (T>C on the coding strand, the complement: POLE is on the minus strand). VCF-style: chr12-132680690-A-G. GRCh37 (hg19) VCF-style: chr12-133257276-A-G.
Identifiers: ClinVar variation 3638305 (VCV003638305.2).